The following is an entry in ClinVar:

ClinVar aggregate classification (germline): Uncertain significance (1 of 4 stars; one submission).

Conditions:
Autosomal recessive distal spinal muscular atrophy 1. Also called: HMN VI; NEURONOPATHY, SEVERE INFANTILE AXONAL, WITH RESPIRATORY FAILURE; SEVERE INFANTILE AXONAL NEUROPATHY WITH RESPIRATORY FAILURE; SPINAL MUSCULAR ATROPHY, DIAPHRAGMATIC; Spinal muscular atrophy with respiratory distress 1; NEURONOPATHY, DISTAL HEREDITARY MOTOR, HARDING TYPE VI. Identifiers: Orphanet 98920, MedGen C1858517, MONDO:0011436, OMIM 604320.
Charcot-Marie-Tooth disease axonal type 2S. Also called: CHARCOT-MARIE-TOOTH DISEASE, AXONAL, AUTOSOMAL RECESSIVE, TYPE 2S; CHARCOT-MARIE-TOOTH NEUROPATHY, TYPE 2S. Identifiers: Orphanet 443073, MedGen C4015349, MONDO:0014511, OMIM 616155.

Allele frequency attached by ClinVar (database versions not stated): gnomAD exomes below 0.00001; gnomAD 0.00001; TOPMed 0.00001.
gnomAD v4.1: 6 of 1,613,412 alleles (0.00037%); highest among the groups gnomAD compares: Non-Finnish European, 0.00051%; no homozygotes.

Submission:

Labcorp Genetics (formerly Invitae), Labcorp
Classification: Uncertain significance for Autosomal recessive distal spinal muscular atrophy 1; Charcot-Marie-Tooth disease axonal type 2S. Last evaluated: 2021-08-26. Review status: criteria provided, single submitter. Criteria: Invitae Variant Classification Sherloc (09022015). Collection method: clinical testing. Allele origin: germline.
Comment: This sequence change replaces leucine with serine at codon 363 of the IGHMBP2 protein (p.Leu363Ser). The leucine residue is moderately conserved and there is a large physicochemical difference between leucine and serine. This variant is not present in population databases (ExAC no frequency). This variant has not been reported in the literature in individuals affected with IGHMBP2-related conditions. Algorithms developed to predict the effect of missense changes on protein structure and function are either unavailable or do not agree on the potential impact of this missense change (SIFT: "Tolerated"; PolyPhen-2: "Possibly Damaging"; Align-GVGD: "Class C0"). In summary, the available evidence is currently insufficient to determine the role of this variant in disease. Therefore, it has been classified as a Variant of Uncertain Significance.

NM_002180.3(IGHMBP2):c.1088T>C (p.Leu363Ser)

Gene: IGHMBP2 (immunoglobulin mu DNA binding protein 2; plus strand). Cytogenetic location: 11q13.3.
Variant type: single nucleotide variant.
Coding change: c.1088T>C on transcript NM_002180.3 (MANE Select); coding-DNA position 1088, T replaced by C.
Protein change: p.Leu363Ser; replaces leucine 363 with serine.
Molecular consequence: missense variant.
Genome position (GRCh38, 1-based): chr11:68,929,210, T>C. VCF-style: chr11-68929210-T-C. GRCh37 (hg19) VCF-style: chr11-68696678-T-C.
Other names: short protein forms L363S.
Identifiers: ClinVar variation 943875 (VCV000943875.7), dbSNP rs1398038802, ClinGen allele CA381647423.